The following is an entry in ClinVar:

ClinVar aggregate classification (germline): Uncertain significance (1 of 4 stars; one submission).

Conditions:
Hereditary cancer-predisposing syndrome. Also called: Neoplastic Syndromes, Hereditary; Tumor predisposition; Hereditary Cancer Syndrome; Hereditary neoplastic syndrome. Identifiers: Orphanet 140162, MedGen C0027672, MeSH D009386, MONDO:0015356.

Submission:

Ambry Genetics
Classification: Uncertain significance for Hereditary cancer-predisposing syndrome. Last evaluated: 2024-09-18. Review status: criteria provided, single submitter. Criteria: Ambry Variant Classification Scheme 2023. Collection method: clinical testing. Allele origin: germline.
Comment: The p.V198D variant (also known as c.593T>A), located in coding exon 5 of the APC gene, results from a T to A substitution at nucleotide position 593. The valine at codon 198 is replaced by aspartic acid, an amino acid with highly dissimilar properties. This amino acid position is not well conserved in available vertebrate species. In addition, in silico predictors for this gene do not accurately predict pathogenicity. Missense alterations in APC are not a common cause of disease (Spier I et al. Genet Med. 2024 Feb;26(2):100992). Based on the available evidence, the clinical significance of this variant remains unclear.

NM_000038.6(APC):c.593T>A (p.Val198Asp)

Gene: APC (APC regulator of Wnt signaling pathway; plus strand). Cytogenetic location: 5q22.2.
Variant type: single nucleotide variant.
Coding change: c.593T>A on transcript NM_000038.6 (MANE Select); coding-DNA position 593, T replaced by A.
Protein change: p.Val198Asp; replaces valine 198 with aspartic acid.
Molecular consequence: missense variant. On other transcripts: 5 prime UTR variant (4), non-coding transcript variant (2).
Genome position (GRCh38, 1-based): chr5:112,780,851, T>A. VCF-style: chr5-112780851-T-A. GRCh37 (hg19) VCF-style: chr5-112116548-T-A.
Other names: c.623T>A, p.Val208Asp (NM_001407446.1, NM_001127511.3, NM_001354897.2 and 1 more transcripts); c.593T>A, p.Val198Asp (NM_001407447.1, NM_001407448.1, NM_001407449.1 and 16 more transcripts); c.518T>A, p.Val173Asp (NM_001407451.1, NM_001354898.2, NM_001354904.2); c.416T>A, p.Val139Asp (NM_001407453.1, NM_001354900.2, NM_001354901.2 and 1 more transcripts); c.-443T>A (NM_001354906.2, NM_001407470.1, NM_001407471.1 and 1 more transcripts); short protein forms V139D, V173D, V198D, V208D.
Identifiers: ClinVar variation 3410770 (VCV003410770.1).
Genomic context (GRCh38, chr5:112,780,851, plus strand): 5'-TTTCCTTACAAACAGATATGACCAGAAGGCAATTGGAATATGAAGCAAGGCAAATCAGAG[T>A]TGCGATGGAAGAACAACTAGGTACCTGCCAGGATATGGAAAAACGAGCACAGGTAAGTTA-3'
Protein context (NP_000029.2, residues 188-208): QLEYEARQIR[Val198Asp]AMEEQLGTCQ